The following is an entry in ClinVar:

NM_001281740.3(FHOD3):c.1743C>T (p.Asn581=)

Gene: FHOD3 (formin homology 2 domain containing 3; plus strand). Cytogenetic location: 18q12.2.
Variant type: single nucleotide variant.
Coding change: c.1743C>T on transcript NM_001281740.3 (MANE Select); coding-DNA position 1743, C replaced by T.
Protein change: p.Asn581=; no amino-acid change (asparagine 581 retained).
Molecular consequence: synonymous variant.
Genome position (GRCh38, 1-based): chr18:36,658,096, C>T. VCF-style: chr18-36658096-C-T. GRCh37 (hg19) VCF-style: chr18-34238059-C-T.
Other names: c.1218C>T, p.Asn406= (NM_001281739.3, NM_025135.5).
Identifiers: ClinVar variation 4980938 (VCV004980938.1).

ClinVar aggregate classification (germline): Likely benign (1 of 4 stars; one submission).

Conditions:
FHOD3-related disorder. Also called: FHOD3-related condition.

gnomAD v4.1: 45 of 1,607,430 alleles (0.0028%); highest among the groups gnomAD compares: African/African-American, 0.059%; no homozygotes.

Submission:

PreventionGenetics, part of Exact Sciences
Classification: Likely benign for FHOD3-related condition. Last evaluated: 2026-03-26. Review status: criteria provided, single submitter. Criteria: ACMG Guidelines, 2015. Collection method: clinical testing. Allele origin: germline.
Comment: This variant is classified as likely benign based on ACMG/AMP sequence variant interpretation guidelines (Richards et al. 2015 PMID: 25741868, with internal and published modifications).